The following is an entry in ClinVar:

ClinVar aggregate classification (germline): Benign/Likely benign. Review status: criteria provided, multiple submitters, no conflicts (2 of 4 stars). 7 submissions from 7 submitters: Benign (1); Likely benign (6). Last evaluated 2025-12-21.

Conditions:
Orofaciodigital syndrome I (OFD1). Also called: Oral-Facial-Digital Syndrome Type I; Papillon-Leage and Psaume Syndrome; OFDS I. Identifiers: Orphanet 2750, MedGen C1510460, MONDO:0010702, OMIM 311200.
Joubert syndrome. Also called: Familial aplasia of the vermis; JOUBERT-BOLTSHAUSER SYNDROME. Identifiers: Orphanet 475, MedGen C5979921, MONDO:0018772.
Primary ciliary dyskinesia. Also called: Ciliary dyskinesia. Identifiers: Orphanet 244, MedGen C0008780, MONDO:0016575, HP:0012265.

Allele frequency attached by ClinVar (database versions not stated): gnomAD exomes 0.00008 and 0.00025; gnomAD 0.00011; TOPMed 0.00011; ESP Exome Variant Server 0.00019; ExAC 0.00022.
gnomAD v4.1: 105 of 1,209,584 alleles (0.0087%); highest among the groups gnomAD compares: Admixed American, 0.0022%; no homozygotes.

Submissions (7):

Labcorp Genetics (formerly Invitae), Labcorp
Classification: Benign for Orofaciodigital syndrome I; Joubert syndrome. Last evaluated: 2025-12-21. Review status: criteria provided, single submitter. Criteria: Invitae Variant Classification Sherloc (09022015). Collection method: clinical testing. Allele origin: germline.

Ambry Genetics
Classification: Likely benign for Primary ciliary dyskinesia. Last evaluated: 2025-09-15. Review status: criteria provided, single submitter. Criteria: Ambry Variant Classification Scheme 2023. Collection method: clinical testing. Allele origin: germline.

Blueprint Genetics
Classification: Likely benign. Last evaluated: 2023-08-30. Review status: criteria provided, single submitter. Criteria: ACMG Guidelines, 2015. Collection method: clinical testing. Allele origin: germline.

CeGaT Center for Human Genetics Tuebingen
Classification: Likely benign. Last evaluated: 2022-05-01. Review status: criteria provided, single submitter. Criteria: CeGaT Center For Human Genetics Tuebingen Variant Classification Criteria Version 2. Collection method: clinical testing. Allele origin: germline. Affected: yes. Observed: 1 variant allele.
Comment: OFD1: BP4, BP7

Genetic Services Laboratory, University of Chicago
Classification: Likely benign. Last evaluated: 2017-07-25. Review status: criteria provided, single submitter. Criteria: ACMG Guidelines, 2015. Collection method: clinical testing. Allele origin: germline. Affected: no.

GeneDx
Classification: Likely benign. Last evaluated: 2017-02-28. Review status: criteria provided, single submitter. Criteria: GeneDx Variant Classification (06012015). Collection method: clinical testing. Allele origin: germline. Affected: yes.
Comment: This variant is considered likely benign or benign based on one or more of the following criteria: it is a conservative change, it occurs at a poorly conserved position in the protein, it is predicted to be benign by multiple in silico algorithms, and/or has population frequency not consistent with disease.

Breakthrough Genomics
Classification: Likely benign. Review status: criteria provided, single submitter. Criteria: ACMG Guidelines, 2015. Collection method: not provided. Allele origin: germline. Inheritance: X-linked inheritance. Affected: yes.

NM_003611.3(OFD1):c.1536A>G (p.Gln512=)

Gene: OFD1 (OFD1 centriole and centriolar satellite protein; plus strand). Cytogenetic location: Xp22.2.
Variant type: single nucleotide variant.
Coding change: c.1536A>G on transcript NM_003611.3 (MANE Select); coding-DNA position 1536, A replaced by G.
Protein change: p.Gln512=; no amino-acid change (glutamine 512 retained).
Molecular consequence: synonymous variant.
Genome position (GRCh38, 1-based): chrX:13,757,784, A>G. VCF-style: chrX-13757784-A-G. GRCh37 (hg19) VCF-style: chrX-13775903-A-G.
Other names: c.1416A>G, p.Gln472= (NM_001330209.2); c.1116A>G, p.Gln372= (NM_001330210.2).
Identifiers: ClinVar variation 507670 (VCV000507670.49), dbSNP rs138532127, ClinGen allele CA10351833.